The following is an entry in ClinVar:

ClinVar aggregate classification (germline): Uncertain significance (1 of 4 stars; one submission).

Submission:

Labcorp Genetics (formerly Invitae), Labcorp
Classification: Uncertain significance. Last evaluated: 2022-07-28. Review status: criteria provided, single submitter. Criteria: Invitae Variant Classification Sherloc (09022015). Collection method: clinical testing. Allele origin: germline.
Comment: In summary, the available evidence is currently insufficient to determine the role of this variant in disease. Therefore, it has been classified as a Variant of Uncertain Significance. Advanced modeling of protein sequence and biophysical properties (such as structural, functional, and spatial information, amino acid conservation, physicochemical variation, residue mobility, and thermodynamic stability) performed at Invitae indicates that this missense variant is not expected to disrupt OCA2 protein function. This variant has not been reported in the literature in individuals affected with OCA2-related conditions. This variant is not present in population databases (gnomAD no frequency). This sequence change replaces lysine, which is basic and polar, with arginine, which is basic and polar, at codon 202 of the OCA2 protein (p.Lys202Arg).

NM_000275.3(OCA2):c.605A>G (p.Lys202Arg)

Gene: OCA2 (OCA2 melanosomal transmembrane protein; minus strand). Cytogenetic location: 15q13.1.
Variant type: single nucleotide variant.
Coding change: c.605A>G on transcript NM_000275.3 (MANE Select); coding-DNA position 605, A replaced by G.
Protein change: p.Lys202Arg; replaces lysine 202 with arginine.
Molecular consequence: missense variant.
Genome position (GRCh38, 1-based): chr15:28,022,542, T>C on the plus strand (A>G on the coding strand, the complement: OCA2 is on the minus strand). VCF-style: chr15-28022542-T-C. GRCh37 (hg19) VCF-style: chr15-28267688-T-C.
Other names: c.605A>G, p.Lys202Arg (NM_001300984.2); short protein forms K202R.
Identifiers: ClinVar variation 1714032 (VCV001714032.5), dbSNP rs2548473988, ClinGen allele CA391367043.